The following is an entry in ClinVar:

ClinVar aggregate classification (germline): Uncertain significance (1 of 4 stars; one submission).

Conditions:
Cerebral cavernous malformation (CCM). Also called: Cerebral cavernous malformations; CAVERNOUS ANGIOMA, FAMILIAL; CAVERNOUS ANGIOMATOUS MALFORMATIONS; Cavernous Hemangioma of Brain; CEREBRAL CAPILLARY MALFORMATIONS; Cerebral cavernous hemangioma (type). Identifiers: Orphanet 221061, MedGen C2919945, MONDO:0000820, OMIM 116860, HP:0033522.

Submission:

Labcorp Genetics (formerly Invitae), Labcorp
Classification: Uncertain significance for Cerebral cavernous malformation. Last evaluated: 2024-02-13. Review status: criteria provided, single submitter. Criteria: Invitae Variant Classification Sherloc (09022015). Collection method: clinical testing. Allele origin: germline.
Comment: This sequence change replaces arginine, which is basic and polar, with proline, which is neutral and non-polar, at codon 185 of the KRIT1 protein (p.Arg185Pro). This variant is not present in population databases (gnomAD no frequency). This variant has not been reported in the literature in individuals affected with KRIT1-related conditions. Advanced modeling of protein sequence and biophysical properties (such as structural, functional, and spatial information, amino acid conservation, physicochemical variation, residue mobility, and thermodynamic stability) performed at Invitae indicates that this missense variant is not expected to disrupt KRIT1 protein function with a negative predictive value of 80%. In summary, the available evidence is currently insufficient to determine the role of this variant in disease. Therefore, it has been classified as a Variant of Uncertain Significance.

NM_194454.3(KRIT1):c.554G>C (p.Arg185Pro)

Gene: KRIT1 (KRIT1 ankyrin repeat containing; minus strand). Cytogenetic location: 7q21.2.
Variant type: single nucleotide variant.
Coding change: c.554G>C on transcript NM_194454.3 (MANE Select); coding-DNA position 554, G replaced by C.
Protein change: p.Arg185Pro; replaces arginine 185 with proline.
Molecular consequence: missense variant. On other transcripts: 5 prime UTR variant (1).
Genome position (GRCh38, 1-based): chr7:92,235,578, C>G on the plus strand (G>C on the coding strand, the complement: KRIT1 is on the minus strand). VCF-style: chr7-92235578-C-G. GRCh37 (hg19) VCF-style: chr7-91864892-C-G.
Other names: c.554G>C, p.Arg185Pro (NM_001013406.2, NM_001350669.1, NM_001350670.1 and 29 more transcripts); c.-30G>C (NM_001350671.1); short protein forms R185P.
Identifiers: ClinVar variation 3640405 (VCV003640405.2).
Genomic context (GRCh38, chr7:92,235,578, plus strand): 5'-GAGTTTTCTGTCTGACCTGATTCAGTAGCATATGCAGGATTTATGACATTAGTTTTTATC[C>G]GCTCAAGAGGAGAAGGTCGGAATAAAGCTGGAATAAAGTGAGATTGTGCATGACGTTCAT-3'
Protein context (NP_919436.1, residues 175-195): PALFRPSPLE[Arg185Pro]IKTNVINPAY